The following is an entry in ClinVar:

NM_203446.3(SYNJ1):c.1951A>G (p.Arg651Gly)

Gene: SYNJ1 (synaptojanin 1; minus strand). Cytogenetic location: 21q22.11.
Variant type: single nucleotide variant.
Coding change: c.1951A>G on transcript NM_203446.3 (MANE Select); coding-DNA position 1951, A replaced by G.
Protein change: p.Arg651Gly; replaces arginine 651 with glycine.
Molecular consequence: missense variant.
Genome position (GRCh38, 1-based): chr21:32,666,434, T>C on the plus strand (A>G on the coding strand, the complement: SYNJ1 is on the minus strand). VCF-style: chr21-32666434-T-C. GRCh37 (hg19) VCF-style: chr21-34038744-T-C.
Other names: c.1951A>G, p.Arg651Gly (NM_001160302.2); c.1936A>G, p.Arg646Gly (NM_001160306.2); c.2068A>G, p.Arg690Gly (NM_003895.4); short protein forms R646G, R690G, R651G.
Identifiers: ClinVar variation 2086720 (VCV002086720.4), dbSNP rs1435855159, ClinGen allele CA410080259.

ClinVar aggregate classification (germline): Uncertain significance (1 of 4 stars; one submission).

Conditions:
Developmental and epileptic encephalopathy, 53. Also called: Epileptic encephalopathy, early infantile, 53. Identifiers: MedGen C4479313, MONDO:0033362, OMIM 617389.
Early-onset Parkinson disease 20. Also called: PARKINSON DISEASE 20, AUTOSOMAL RECESSIVE EARLY-ONSET. Identifiers: Orphanet 391411, MedGen C3809824, MONDO:0014233, OMIM 615530.

Allele frequency attached by ClinVar (database versions not stated): gnomAD exomes below 0.00001; TOPMed 0.00001.
gnomAD v4.1: 2 of 1,612,896 alleles (0.00012%); highest among the groups gnomAD compares: African/African-American, 0.0013%; no homozygotes.

Submission:

Labcorp Genetics (formerly Invitae), Labcorp
Classification: Uncertain significance for Developmental and epileptic encephalopathy, 53; Early-onset Parkinson disease 20. Last evaluated: 2022-01-17. Review status: criteria provided, single submitter. Criteria: Invitae Variant Classification Sherloc (09022015). Collection method: clinical testing. Allele origin: germline.
Comment: Algorithms developed to predict the effect of sequence changes on RNA splicing suggest that this variant may disrupt the consensus splice site. Algorithms developed to predict the effect of missense changes on protein structure and function (SIFT, PolyPhen-2, Align-GVGD) all suggest that this variant is likely to be disruptive. This variant has not been reported in the literature in individuals affected with SYNJ1-related conditions. This variant is not present in population databases (gnomAD no frequency). This sequence change replaces arginine, which is basic and polar, with glycine, which is neutral and non-polar, at codon 690 of the SYNJ1 protein (p.Arg690Gly). In summary, the available evidence is currently insufficient to determine the role of this variant in disease. Therefore, it has been classified as a Variant of Uncertain Significance.